The following is an entry in ClinVar:

NM_002016.2(FLG):c.427A>C (p.Ser143Arg)

Genes: CCDST (cervical cancer associated DHX9 suppressive transcript; plus strand), FLG (filaggrin; minus strand). Cytogenetic location: 1q21.3.
Variant type: single nucleotide variant.
Coding change: c.427A>C on transcript NM_002016.2 (MANE Select); coding-DNA position 427, A replaced by C.
Protein change: p.Ser143Arg; replaces serine 143 with arginine.
Molecular consequence: missense variant.
Genome position (GRCh38, 1-based): chr1:152,314,459, T>G on the plus strand (A>C on the coding strand, the complement: FLG is on the minus strand). VCF-style: chr1-152314459-T-G. GRCh37 (hg19) VCF-style: chr1-152286935-T-G.
Other names: short protein forms S143R.
Identifiers: ClinVar variation 2639325 (VCV002639325.24), dbSNP rs2525221372, ClinGen allele CA342107783.
Genomic context (GRCh38, chr1:152,314,459, plus strand): 5'-CTTTTCTTTCTTTTTTTTCAGAACTAGATTCATGCCTTTTCCCCCCTGTTTCTCTTGGGC[T>G]CTTGGATCTTCCCTTATTCCCTTTTCTATTGTTTCTTCTTTCCAGACTTGAGGGTCTTTT-3'
Protein context (NP_002007.1, residues 133-153): NRKGNKGRSK[Ser143Arg]PRETGGKRHE

ClinVar aggregate classification (germline): Uncertain significance (1 of 4 stars; one submission).

Submission:

CeGaT Center for Human Genetics Tuebingen
Classification: Uncertain significance. Last evaluated: 2023-10-01. Review status: criteria provided, single submitter. Criteria: CeGaT Center For Human Genetics Tuebingen Variant Classification Criteria Version 2. Collection method: clinical testing. Allele origin: germline. Affected: yes. Observed: 1 variant allele.
Comment: FLG: PM2, BP4